The following is an entry in ClinVar:

ClinVar aggregate classification (germline): Likely benign. Review status: criteria provided, multiple submitters, no conflicts (2 of 4 stars). 2 submissions from 2 submitters: Likely benign (2). Last evaluated 2016-08-03.

Conditions:
Developmental and epileptic encephalopathy, 9 (DEE9). Also called: Early infantile epileptic encephalopathy 9; PCDH19-Related X-Linked Female-Limited Epilepsy with Mental Retardation; EPILEPSY, FEMALE-RESTRICTED, WITH MENTAL RETARDATION; JUBERG-HELLMAN SYNDROME. Identifiers: Orphanet 101039, Orphanet 2076, MedGen C1848137, MONDO:0010246, OMIM 300088. Disease mechanism: loss of function.

Allele frequency attached by ClinVar (database versions not stated): gnomAD exomes below 0.00001.
gnomAD v4.1: 1 of 1,211,879 alleles (0.000083%); highest among the groups gnomAD compares: Non-Finnish European, 0.00011%; no homozygotes.

Submissions (2):

Labcorp Genetics (formerly Invitae), Labcorp
Classification: Likely benign for Developmental and epileptic encephalopathy, 9. Last evaluated: 2016-08-03. Review status: criteria provided, single submitter. Criteria: Invitae Variant Classification Sherloc (09022015). Collection method: clinical testing. Allele origin: germline.

GeneDx
Classification: Likely benign. Last evaluated: 2015-12-08. Review status: criteria provided, single submitter. Criteria: GeneDx Variant Classification (06012015). Collection method: clinical testing. Allele origin: germline. Affected: yes.
Comment: This variant is considered likely benign or benign based on one or more of the following criteria: it is a conservative change, it occurs at a poorly conserved position in the protein, it is predicted to be benign by multiple in silico algorithms, and/or has population frequency not consistent with disease.

NM_001184880.2(PCDH19):c.1815C>T (p.Tyr605=)

Gene: PCDH19 (protocadherin 19; minus strand). Cytogenetic location: Xq22.1.
Variant type: single nucleotide variant.
Coding change: c.1815C>T on transcript NM_001184880.2 (MANE Select); coding-DNA position 1815, C replaced by T.
Protein change: p.Tyr605=; no amino-acid change (tyrosine 605 retained).
Molecular consequence: synonymous variant.
Genome position (GRCh38, 1-based): chrX:100,406,783, G>A on the plus strand (C>T on the coding strand, the complement: PCDH19 is on the minus strand). VCF-style: chrX-100406783-G-A. GRCh37 (hg19) VCF-style: chrX-99661781-G-A.
Other names: c.1815C>T, p.Tyr605= (NM_001105243.2, NM_020766.3).
Identifiers: ClinVar variation 382117 (VCV000382117.10), dbSNP rs1057521256, ClinGen allele CA16608686.